The following is an entry in ClinVar:

ClinVar aggregate classification (germline): Uncertain significance (1 of 4 stars; one submission).

gnomAD v4.1: 7 of 1,551,578 alleles (0.00045%); highest among the groups gnomAD compares: Non-Finnish European, 0.00061%; no homozygotes.

Submission:

Labcorp Genetics (formerly Invitae), Labcorp
Classification: Uncertain significance. Last evaluated: 2024-06-13. Review status: criteria provided, single submitter. Criteria: Invitae Variant Classification Sherloc (09022015). Collection method: clinical testing. Allele origin: germline.
Comment: This sequence change replaces serine, which is neutral and polar, with alanine, which is neutral and non-polar, at codon 1848 of the TET2 protein (p.Ser1848Ala). This variant is present in population databases (no rsID available, gnomAD 0.002%). This variant has not been reported in the literature in individuals affected with TET2-related conditions. An algorithm developed to predict the effect of missense changes on protein structure and function (PolyPhen-2) suggests that this variant is likely to be disruptive. In summary, the available evidence is currently insufficient to determine the role of this variant in disease. Therefore, it has been classified as a Variant of Uncertain Significance.

NM_001127208.3(TET2):c.5542T>G (p.Ser1848Ala)

Genes: TET2 (tet methylcytosine dioxygenase 2; plus strand), TET2-AS1 (TET2 antisense RNA 1; minus strand). Cytogenetic location: 4q24.
Variant type: single nucleotide variant.
Coding change: c.5542T>G on transcript NM_001127208.3 (MANE Select); coding-DNA position 5542, T replaced by G.
Protein change: p.Ser1848Ala; replaces serine 1848 with alanine.
Molecular consequence: missense variant.
Genome position (GRCh38, 1-based): chr4:105,276,052, T>G. VCF-style: chr4-105276052-T-G. GRCh37 (hg19) VCF-style: chr4-106197209-T-G.
Other names: short protein forms S1848A.
Identifiers: ClinVar variation 3695184 (VCV003695184.2).
Genomic context (GRCh38, chr4:105,276,052, plus strand): 5'-CAGCCATTGGCACTAGTCCAGGGTGTGGCTTCTGGTGCAGAGGACAACGATGAGGTCTGG[T>G]CAGACAGCGAGCAGAGCTTTCTGGATCCTGACATTGGGGGAGTGGCCGTGGCTCCAACTC-3'
Protein context (NP_001120680.1, residues 1838-1858): SGAEDNDEVW[Ser1848Ala]DSEQSFLDPD